The following is an entry in ClinVar:

ClinVar aggregate classification (germline): Pathogenic (1 of 4 stars; one submission).

gnomAD v4.1: 36 of 1,612,972 alleles (0.0022%); highest among the groups gnomAD compares: Non-Finnish European, 0.0029%; no homozygotes.

Submission:

Labcorp Genetics (formerly Invitae), Labcorp
Classification: Pathogenic. Last evaluated: 2024-01-28. Review status: criteria provided, single submitter. Criteria: Invitae Variant Classification Sherloc (09022015). Collection method: clinical testing. Allele origin: germline.
Comment: This sequence change creates a premature translational stop signal (p.Glu372*) in the PRDM5 gene. It is expected to result in an absent or disrupted protein product. Loss-of-function variants in PRDM5 are known to be pathogenic (PMID: 21664999, 26395458). This variant is present in population databases (no rsID available, gnomAD 0.0009%). This variant has not been reported in the literature in individuals affected with PRDM5-related conditions. Algorithms developed to predict the effect of sequence changes on RNA splicing suggest that this variant may disrupt the consensus splice site. For these reasons, this variant has been classified as Pathogenic.

Literature cited by the submitters: PubMed 21664999; PubMed 26395458.

NM_018699.4(PRDM5):c.1114G>T (p.Glu372Ter)

Gene: PRDM5 (PR/SET domain 5; minus strand). Cytogenetic location: 4q27.
Variant type: single nucleotide variant.
Coding change: c.1114G>T on transcript NM_018699.4 (MANE Select); coding-DNA position 1114, G replaced by T.
Protein change: p.Glu372Ter; replaces glutamic acid 372 with a stop codon.
Molecular consequence: nonsense.
Genome position (GRCh38, 1-based): chr4:120,798,341, C>A on the plus strand (G>T on the coding strand, the complement: PRDM5 is on the minus strand). VCF-style: chr4-120798341-C-A. GRCh37 (hg19) VCF-style: chr4-121719496-C-A.
Other names: c.1021G>T, p.Glu341Ter (NM_001300823.2, NM_001300824.2, NM_001379106.1); c.1147G>T, p.Glu383Ter (NM_001379104.1); short protein forms E383*, E341*, E372*.
Identifiers: ClinVar variation 2966290 (VCV002966290.3), dbSNP rs369580755, ClinGen allele CA105119510.